The following is an entry in ClinVar:

NM_001148.6(ANK2):c.2366C>A (p.Ala789Asp)

Gene: ANK2 (ankyrin 2; plus strand). Cytogenetic location: 4q26.
Variant type: single nucleotide variant.
Coding change: c.2366C>A on transcript NM_001148.6 (MANE Select); coding-DNA position 2366, C replaced by A.
Protein change: p.Ala789Asp; replaces alanine 789 with aspartic acid.
Molecular consequence: missense variant.
Genome position (GRCh38, 1-based): chr4:113,292,504, C>A. VCF-style: chr4-113292504-C-A. GRCh37 (hg19) VCF-style: chr4-114213660-C-A.
Other names: c.2303C>A, p.Ala768Asp (NM_001127493.3, NM_001354239.2, NM_001354243.2 and 10 more transcripts); c.2366C>A, p.Ala789Asp (NM_001354225.2, NM_001354228.2, NM_001354232.2 and 6 more transcripts); c.2411C>A, p.Ala804Asp (NM_001354230.2, NM_001354231.2, NM_001354237.2 and 5 more transcripts); c.2267C>A, p.Ala756Asp (NM_001354245.2, NM_001354268.2); c.2279C>A, p.Ala760Asp (NM_001354249.2, NM_001354264.2, NM_001354266.2 and 10 more transcripts); c.2204C>A, p.Ala735Asp (NM_001354253.2, NM_001354257.2, NM_001354270.2 and 1 more transcripts); c.2180C>A, p.Ala727Asp (NM_001354260.2, NM_001354271.2, NM_001386151.1); c.2324C>A, p.Ala775Asp (NM_001354261.2, NM_001386147.1, NM_001386160.1); and 8 more; short protein forms A694D, A727D, A760D, A768D, A775D, A804D, A719D, A723D.
Identifiers: ClinVar variation 971701 (VCV000971701.7), dbSNP rs1474018346, ClinGen allele CA357919714.

ClinVar aggregate classification (germline): Uncertain significance (1 of 4 stars; one submission).

Conditions:
Long QT syndrome (LQTS). Identifiers: MedGen C0023976, MeSH D008133, MONDO:0002442. Disease mechanism: loss of function. Inheritance: Various modes of inheritance.

Allele frequency attached by ClinVar (database versions not stated): gnomAD exomes below 0.00001.
gnomAD v4.1: 3 of 1,609,444 alleles (0.00019%); highest among the groups gnomAD compares: South Asian, 0.0033%; no homozygotes.

Submission:

Labcorp Genetics (formerly Invitae), Labcorp
Classification: Uncertain significance for Long QT syndrome. Last evaluated: 2022-07-19. Review status: criteria provided, single submitter. Criteria: Invitae Variant Classification Sherloc (09022015). Collection method: clinical testing. Allele origin: germline.
Comment: ClinVar contains an entry for this variant (Variation ID: 971701). In summary, the available evidence is currently insufficient to determine the role of this variant in disease. Therefore, it has been classified as a Variant of Uncertain Significance. Algorithms developed to predict the effect of missense changes on protein structure and function are either unavailable or do not agree on the potential impact of this missense change (SIFT: "Deleterious"; PolyPhen-2: "Benign"; Align-GVGD: "Class C0"). This variant has not been reported in the literature in individuals affected with ANK2-related conditions. The frequency data for this variant in the population databases is considered unreliable, as metrics indicate poor data quality at this position in the gnomAD database. This sequence change replaces alanine, which is neutral and non-polar, with aspartic acid, which is acidic and polar, at codon 789 of the ANK2 protein (p.Ala789Asp).